The following is an entry in ClinVar:

NM_201384.3(PLEC):c.5315C>T (p.Ala1772Val)

Gene: PLEC (plectin; minus strand). Cytogenetic location: 8q24.3.
Variant type: single nucleotide variant.
Coding change: c.5315C>T on transcript NM_201384.3 (MANE Select); coding-DNA position 5315, C replaced by T.
Protein change: p.Ala1772Val; replaces alanine 1772 with valine.
Molecular consequence: missense variant.
Genome position (GRCh38, 1-based): chr8:143,924,614, G>A on the plus strand (C>T on the coding strand, the complement: PLEC is on the minus strand). VCF-style: chr8-143924614-G-A. GRCh37 (hg19) VCF-style: chr8-144998782-G-A.
Other names: c.5396C>T, p.Ala1799Val (NM_000445.5); c.5273C>T, p.Ala1758Val (NM_201378.4); c.5249C>T, p.Ala1750Val (NM_201379.3); c.5726C>T, p.Ala1909Val (NM_201380.4); c.5219C>T, p.Ala1740Val (NM_201381.3); c.5315C>T, p.Ala1772Val (NM_201382.4); c.5327C>T, p.Ala1776Val (NM_201383.3); short protein forms A1740V, A1750V, A1758V, A1772V, A1776V, A1799V, A1909V.
Identifiers: ClinVar variation 196767 (VCV000196767.26), dbSNP rs782439290, ClinGen allele CA244119.
Genomic context (GRCh38, chr8:143,924,614, plus strand): 5'-TCGGCCTCCAGCCTCTGCTTGGACTTCTCGCTGGTGGAGCGCGACTCCTCCTCAGCCCTC[G>A]CCTTGCTGGCCAGCAGCACCTCCATCTCGGCCCGCACCTTGGCCAGCTCGGCTTCCAGCT-3'
Protein context (NP_958786.1, residues 1762-1782): AEMEVLLASK[Ala1772Val]RAEEESRSTS

ClinVar aggregate classification (germline): Conflicting classifications of pathogenicity. Review status: criteria provided, conflicting classifications (1 of 4 stars). 8 submissions from 8 submitters: Uncertain significance (6); Likely benign (1). 1 of the submissions does not count toward it. Last evaluated 2025-12-20.

Conditions:
Autosomal recessive limb-girdle muscular dystrophy type 2Q (LGMDR17). Also called: MUSCULAR DYSTROPHY, LIMB-GIRDLE, AUTOSOMAL RECESSIVE 17. Identifiers: Orphanet 254361, MedGen C3150989, MONDO:0013390, OMIM 613723.
Epidermolysis bullosa simplex with nail dystrophy (EBS5D). Identifiers: MedGen C4225309, MONDO:0014661, OMIM 616487.
Epidermolysis bullosa simplex 5C, with pyloric atresia (EBS5C). Also called: PLEC-Related Epidermolysis Bullosa with Pyloric Atresia; PLEC1-Related Epidermolysis Bullosa with Pyloric Atresia; Epidermolysis bullosa simplex with pyloric atresia. Identifiers: Orphanet 158684, MedGen C2677349, MONDO:0012807, OMIM 612138.
Junctional epidermolysis bullosa with pyloric atresia. Also called: APLASIA CUTIS CONGENITA WITH GASTROINTESTINAL ATRESIA; CARMI SYNDROME; EB-PA-ACC; ITGB4-Related Epidermolysis Bullosa with Pyloric Atresia; Epidermolysis bullosa, junctional, with pyloric atresia and aplasia cutis congenita; Epidermolysis bullosa junctionalis with pyloric atresia. Identifiers: Orphanet 79403, MedGen C5676875, MONDO:0009183, OMIM 226730.
Epidermolysis bullosa simplex, Ogna type (EBS5A). Also called: Pidermolysis bullosa simplex 5A, Ogna type; EPIDERMOLYSIS BULLOSA SIMPLEX 5A, OGNA TYPE. Identifiers: Orphanet 79401, MedGen C0432317, MONDO:0007555, OMIM 131950.
Epidermolysis bullosa simplex 5B, with muscular dystrophy (EBS5B). Also called: EPIDERMOLYSIS BULLOSA SIMPLEX AND LIMB-GIRDLE MUSCULAR DYSTROPHY; Epidermolysis bullosa simplex with muscular dystrophy. Identifiers: Orphanet 257, MedGen C2931072, MONDO:0009181, OMIM 226670.
PLEC-related disorder. Also called: PLEC-related disorders; PLEC-related condition.
Inborn genetic diseases. Identifiers: MedGen C0950123, MeSH D030342.

Allele frequency attached by ClinVar (database versions not stated): gnomAD exomes 0.00014 and 0.00035; ExAC 0.00016; gnomAD 0.00025 and 0.00026; TOPMed 0.00025.
gnomAD v4.1: 538 of 1,540,844 alleles (0.035%); highest among the groups gnomAD compares: Non-Finnish European, 0.04%; no homozygotes.

Submissions (8):

Labcorp Genetics (formerly Invitae), Labcorp
Classification: Uncertain significance for Autosomal recessive limb-girdle muscular dystrophy type 2Q; Epidermolysis bullosa simplex, Ogna type; Epidermolysis bullosa simplex with nail dystrophy; Epidermolysis bullosa simplex 5C, with pyloric atresia; Epidermolysis bullosa simplex 5B, with muscular dystrophy. Last evaluated: 2025-12-20. Review status: criteria provided, single submitter. Criteria: Invitae Variant Classification Sherloc (09022015). Collection method: clinical testing. Allele origin: germline.
Comment: This sequence change replaces alanine, which is neutral and non-polar, with valine, which is neutral and non-polar, at codon 1799 of the PLEC protein (p.Ala1799Val). This variant is present in population databases (rs782439290, gnomAD 0.05%). This missense change has been observed in individual(s) with clinical features of limb-girdle muscular dystrophy (internal data). ClinVar contains an entry for this variant (Variation ID: 196767). Experimental studies and prediction algorithms are not available or were not evaluated, and the functional significance of this variant is currently unknown. In summary, the available evidence is currently insufficient to determine the role of this variant in disease. Therefore, it has been classified as a Variant of Uncertain Significance.

Revvity Omics, Revvity
Classification: Uncertain significance. Last evaluated: 2025-06-12. Review status: criteria provided, single submitter. Criteria: ACMG Guidelines, 2015. Collection method: clinical testing. Allele origin: germline.

GeneDx
Classification: Likely benign. Last evaluated: 2025-06-06. Review status: criteria provided, single submitter. Criteria: GeneDx Variant Classification Process June 2021. Collection method: clinical testing. Allele origin: germline. Affected: yes.
Comment: See Variant Classification Assertion Criteria.

Blueprint Genetics
Classification: Uncertain significance. Last evaluated: 2024-07-30. Review status: criteria provided, single submitter. Criteria: ACMG Guidelines, 2015. Collection method: clinical testing. Allele origin: germline.

Ambry Genetics
Classification: Uncertain significance for Inborn genetic diseases. Last evaluated: 2022-10-04. Review status: criteria provided, single submitter. Criteria: Ambry Variant Classification Scheme 2023. Collection method: clinical testing. Allele origin: germline.

Fulgent Genetics
Classification: Uncertain significance for Epidermolysis bullosa simplex, Ogna type; Epidermolysis bullosa simplex 5B, with muscular dystrophy; Junctional epidermolysis bullosa with pyloric atresia; Epidermolysis bullosa simplex 5C, with pyloric atresia; Autosomal recessive limb-girdle muscular dystrophy type 2Q; Epidermolysis bullosa simplex with nail dystrophy. Last evaluated: 2018-10-31. Review status: criteria provided, single submitter. Criteria: ACMG Guidelines, 2015. Collection method: clinical testing. Allele origin: unknown.

Eurofins Ntd Llc (ga)
Classification: Uncertain significance. Last evaluated: 2017-07-14. Review status: criteria provided, single submitter. Criteria: EGL Classification Definitions 2015. Collection method: clinical testing. Allele origin: germline. Observed: 4 variant alleles, 4 heterozygotes.

PreventionGenetics, part of Exact Sciences
Classification: Uncertain significance for PLEC-related condition. Last evaluated: 2024-04-03. Review status: no assertion criteria provided. Collection method: clinical testing. Allele origin: germline. Not counted in ClinVar's aggregate classification.
Comment: The PLEC c.5396C>T variant is predicted to result in the amino acid substitution p.Ala1799Val. To our knowledge, this variant has not been reported in the literature. This variant is reported in 0.046% of alleles in individuals of African descent in gnomAD. At this time, the clinical significance of this variant is uncertain due to the absence of conclusive functional and genetic evidence.